The following is an entry in ClinVar:

NM_001232.4(CASQ2):c.939+5G>C

Gene: CASQ2 (calsequestrin 2; minus strand). Cytogenetic location: 1p13.1.
Variant type: single nucleotide variant.
Coding change: c.939+5G>C on transcript NM_001232.4 (MANE Select); 5 bases into the intron after coding-DNA position 939, G replaced by C.
Molecular consequence: intron variant.
Genome position (GRCh38, 1-based): chr1:115,705,187, C>G on the plus strand (G>C on the coding strand, the complement: CASQ2 is on the minus strand). VCF-style: chr1-115705187-C-G. GRCh37 (hg19) VCF-style: chr1-116247808-C-G.
Identifiers: ClinVar variation 1455253 (VCV001455253.11), dbSNP rs746128346, ClinGen allele CA1023689.

ClinVar aggregate classification (germline): Pathogenic/Likely pathogenic. Review status: criteria provided, multiple submitters, no conflicts (2 of 4 stars). 4 submissions from 4 submitters: Pathogenic (2); Likely pathogenic (2). Last evaluated 2025-09-08.

Conditions:
Catecholaminergic polymorphic ventricular tachycardia 2. Also called: CASQ2-Related Catecholaminergic Polymorphic Ventricular Tachycardia; VENTRICULAR TACHYCARDIA, STRESS-INDUCED POLYMORPHIC 2. Identifiers: Orphanet 3286, MedGen C2677794, MONDO:0012762, OMIM 611938.
Cardiovascular phenotype. Identifiers: MedGen CN230736.
Catecholaminergic polymorphic ventricular tachycardia 1. Also called: RYR2-Related Catecholaminergic Polymorphic Ventricular Tachycardia; VENTRICULAR TACHYCARDIA, STRESS-INDUCED POLYMORPHIC 1; VENTRICULAR TACHYCARDIA, CATECHOLAMINERGIC POLYMORPHIC, 1, WITH OR WITHOUT ATRIAL DYSFUNCTION AND/OR DILATED CARDIOMYOPATHY. Identifiers: Orphanet 3286, MedGen C1631597, MONDO:0011484, OMIM 604772.

Allele frequency attached by ClinVar (database versions not stated): TOPMed below 0.00001; ExAC 0.00001.
gnomAD v4.1: 5 of 1,593,208 alleles (0.00031%); highest among the groups gnomAD compares: Non-Finnish European, 0.00043%; no homozygotes.

Submissions (4):

Ambry Genetics
Classification: Likely pathogenic for Cardiovascular phenotype. Last evaluated: 2025-09-08. Review status: criteria provided, single submitter. Criteria: Ambry Variant Classification Scheme 2023. Collection method: clinical testing. Allele origin: germline.
Comment: The c.939+5G>C intronic variant results from a G to C substitution 5 nucleotides after coding exon 9 in the CASQ2 gene. This nucleotide position is highly conserved in available vertebrate species. This variant has been reported in trans with a CASQ2 canonical splice alteration in an individual reported to have catecholaminergic polymorphic ventricular tachycardia (CPVT); however, clinical details were limited. The same study reported this variant to result in aberrant splicing and skipping of exon 9 on minigene assay (Roux-Buisson N et al. Hum. Mut. 2011:32(9):995-9). While exon 9 skipping may result in a protein product that would escape nonsense-mediated mRNA decay, the truncated protein would lack approximately half of domain III in which missense mutations have been identified. Furthermore, a nonsense alteration downstream of this variant has been reported in trans with a second nonsense alteration in an individual with CPVT (Kawamura M. Circ. J. 2013 Apr;77(7):1705-13). This variant is considered to be rare based on population cohorts in the Genome Aggregation Database (gnomAD). This nucleotide position is highly conserved in available vertebrate species. In silico splice site analysis predicts that this alteration may weaken the native splice donor site. Based on the majority of available evidence to date, this variant is likely to be pathogenic.

Women's Health and Genetics/Laboratory Corporation of America, LabCorp
Classification: Pathogenic for Catecholaminergic polymorphic ventricular tachycardia 1. Last evaluated: 2024-10-10. Review status: criteria provided, single submitter. Criteria: LabCorp Variant Classification Summary - May 2015. Collection method: clinical testing. Allele origin: germline.
Comment: Variant summary: CASQ2 c.939+5G>C alters a conserved nucleotide located close to a canonical splice site and therefore could affect mRNA splicing, leading to a significantly altered protein sequence. Several computational tools predict a significant impact on normal splicing: Three predict the variant weakens a 5' donor site and one predicts the variant abolishes the 5' splicing donor site. Two also predict the variant creates a 3' acceptor site. At least one publication reports experimental evidence that this variant affects mRNA splicing by causing the skipping of exon 9 resulting in the introduction of a premature termination codon (e.g., Roux-Buisson_2011). The variant allele was found at a frequency of 4e-06 in 251294 control chromosomes. c.939+5G>C has been reported in the literature in individuals affected with Catecholaminergic Polymorphic Ventricular Tachycardia (e.g., Ng_2020, Roux-Buisson_2011, Kulbachinskaya_2023). These data indicate that the variant is likely to be associated with disease. The following publications have been ascertained in the context of this evaluation (PMID: 32693635, 21618644, DOI 10.18786/2072-0505-2023-51-022). ClinVar contains an entry for this variant (Variation ID: 1455253). Based on the evidence outlined above, the variant was classified as pathogenic.

Labcorp Genetics (formerly Invitae), Labcorp
Classification: Pathogenic for Catecholaminergic polymorphic ventricular tachycardia 1. Last evaluated: 2023-07-18. Review status: criteria provided, single submitter. Criteria: Invitae Variant Classification Sherloc (09022015). Collection method: clinical testing. Allele origin: germline.
Comment: For these reasons, this variant has been classified as Pathogenic. Variants that disrupt the consensus splice site are a relatively common cause of aberrant splicing (PMID: 17576681, 9536098). Studies have shown that this variant results in skipping of exon 9 and introduces a new termination codon (PMID: 21618644). However the mRNA is not expected to undergo nonsense-mediated decay. ClinVar contains an entry for this variant (Variation ID: 1455253). This variant has been observed in individual(s) with catecholaminergic polymorphic ventricular tachycardia (PMID: 21618644, 32693635). In at least one individual the data is consistent with being in trans (on the opposite chromosome) from a pathogenic variant. This variant is not present in population databases (gnomAD no frequency). This sequence change falls in intron 9 of the CASQ2 gene. It does not directly change the encoded amino acid sequence of the CASQ2 protein. RNA analysis indicates that this variant induces altered splicing and likely disrupts the C-terminus of the protein.

Genome-Nilou Lab
Classification: Likely pathogenic for Catecholaminergic polymorphic ventricular tachycardia 2. Last evaluated: 2023-04-11. Review status: criteria provided, single submitter. Criteria: ACMG Guidelines, 2015. Collection method: clinical testing. Allele origin: germline. Affected: no.

Literature cited by the submitters: PubMed 21618644 (cited by 3 submitters); PubMed 27538377 (cited by Ambry Genetics); PubMed 32693635 (cited by Women's Health and Genetics/Laboratory Corporation of America, LabCorp and Labcorp Genetics (formerly Invitae), Labcorp); PubMed 17576681 (cited by Labcorp Genetics (formerly Invitae), Labcorp); PubMed 9536098 (cited by Labcorp Genetics (formerly Invitae), Labcorp).